The following is an entry in ClinVar:

NM_000936.4(PNLIP):c.1061-3C>T

Gene: PNLIP (pancreatic lipase; plus strand). Cytogenetic location: 10q25.3.
Variant type: single nucleotide variant.
Coding change: c.1061-3C>T on transcript NM_000936.4 (MANE Select); 3 bases into the intron before coding-DNA position 1061, C replaced by T.
Molecular consequence: intron variant.
Genome position (GRCh38, 1-based): chr10:116,560,413, C>T. VCF-style: chr10-116560413-C-T. GRCh37 (hg19) VCF-style: chr10-118319925-C-T.
Identifiers: ClinVar variation 2790203 (VCV002790203.3), dbSNP rs373550688, ClinGen allele CA5706688.
Genomic context (GRCh38, chr10:116,560,413, plus strand): 5'-ATTAACTTGTTTTTAGTGTCTTTTATCTCCAAACTGACATTTTGCAATTTTTCTCCCTTG[C>T]AGGTTGGAGGTATAAGGTATCTGTCACACTGTCTGGAAAAAAGGTTACAGGACACATACT-3'

ClinVar aggregate classification (germline): Uncertain significance (1 of 4 stars; one submission).

Allele frequency attached by ClinVar (database versions not stated): gnomAD exomes 0.00001; ESP Exome Variant Server 0.00008; gnomAD 0.00005; TOPMed 0.00007; ExAC 0.00001; 1000 Genomes Project 30x 0.00016; 1000 Genomes Project 0.00020.
gnomAD v4.1: 14 of 1,536,612 alleles (0.00091%); highest among the groups gnomAD compares: African/African-American, 0.015%; no homozygotes.

Submission:

Labcorp Genetics (formerly Invitae), Labcorp
Classification: Uncertain significance. Last evaluated: 2025-03-10. Review status: criteria provided, single submitter. Criteria: Invitae Variant Classification Sherloc (09022015). Collection method: clinical testing. Allele origin: germline.
Comment: This sequence change falls in intron 10 of the PNLIP gene. It does not directly change the encoded amino acid sequence of the PNLIP protein. It affects a nucleotide within the consensus splice site. This variant is present in population databases (rs373550688, gnomAD 0.02%). This variant has not been reported in the literature in individuals affected with PNLIP-related conditions. ClinVar contains an entry for this variant (Variation ID: 2790203). Variants that disrupt the consensus splice site are a relatively common cause of aberrant splicing (PMID: 17576681, 9536098). Algorithms developed to predict the effect of sequence changes on RNA splicing suggest that this variant is not likely to affect RNA splicing. In summary, the available evidence is currently insufficient to determine the role of this variant in disease. Therefore, it has been classified as a Variant of Uncertain Significance.

Literature cited by the submitters: PubMed 17576681; PubMed 9536098.